The following is an entry in ClinVar:

ClinVar aggregate classification (germline): Uncertain significance. Review status: criteria provided, multiple submitters, no conflicts (2 of 4 stars). 2 submissions from 2 submitters: Uncertain significance (2). Last evaluated 2024-11-11.

Conditions:
Congenital stationary night blindness 1A (CSNB1A). Also called: CSNB, COMPLETE, X-LINKED; HEMERALOPIA-MYOPIA; MYOPIA-NIGHT BLINDNESS; NIGHT BLINDNESS, CONGENITAL STATIONARY, WITH MYOPIA; NYX-Related X-Linked Congenital Stationary Night Blindness; Night blindness, congenital stationary (complete), 1A, X-linked. Identifiers: Orphanet 215, MedGen C3495587, MONDO:0010690, OMIM 310500.

Allele frequency attached by ClinVar (database versions not stated): gnomAD exomes 0.00001.

Submissions (2):

Labcorp Genetics (formerly Invitae), Labcorp
Classification: Uncertain significance. Last evaluated: 2024-11-11. Review status: criteria provided, single submitter. Criteria: Invitae Variant Classification Sherloc (09022015). Collection method: clinical testing. Allele origin: germline.
Comment: This sequence change replaces arginine, which is basic and polar, with tryptophan, which is neutral and slightly polar, at codon 55 of the NYX protein (p.Arg55Trp). The frequency data for this variant in the population databases is considered unreliable, as metrics indicate insufficient coverage at this position in the gnomAD database. This variant has not been reported in the literature in individuals affected with NYX-related conditions. ClinVar contains an entry for this variant (Variation ID: 914661). Invitae Evidence Modeling of protein sequence and biophysical properties (such as structural, functional, and spatial information, amino acid conservation, physicochemical variation, residue mobility, and thermodynamic stability) indicates that this missense variant is not expected to disrupt NYX protein function with a negative predictive value of 80%. In summary, the available evidence is currently insufficient to determine the role of this variant in disease. Therefore, it has been classified as a Variant of Uncertain Significance.

Illumina Laboratory Services, Illumina
Classification: Uncertain significance for Congenital stationary night blindness 1A. Last evaluated: 2018-01-12. Review status: criteria provided, single submitter. Criteria: ICSL Variant Classification Criteria 13 December 2019. Collection method: clinical testing. Allele origin: germline.

NM_001378477.3(NYX):c.148C>T (p.Arg50Trp)

Gene: NYX (nyctalopin; plus strand). Cytogenetic location: Xp11.4.
Variant type: single nucleotide variant.
Coding change: c.148C>T on transcript NM_001378477.3 (MANE Select); coding-DNA position 148, C replaced by T.
Protein change: p.Arg50Trp; replaces arginine 50 with tryptophan.
Molecular consequence: missense variant.
Genome position (GRCh38, 1-based): chrX:41,473,616, C>T. VCF-style: chrX-41473616-C-T. GRCh37 (hg19) VCF-style: chrX-41332869-C-T.
Other names: c.148C>T, p.Arg50Trp (NM_022567.3); short protein forms R55W, R50W.
Identifiers: ClinVar variation 914661 (VCV000914661.8), dbSNP rs1287556040, ClinGen allele CA412989503.